The following is an entry in ClinVar:

ClinVar aggregate classification (germline): Pathogenic/Likely pathogenic. Review status: criteria provided, multiple submitters, no conflicts (2 of 4 stars). 2 submissions from 2 submitters: Pathogenic (1); Likely pathogenic (1). Last evaluated 2022-02-15.

Conditions:
USH2A-related disorder. Also called: USH2A-related disorders; USH2A-related condition. Identifiers: MedGen CN239332.

Allele frequency attached by ClinVar (database versions not stated): gnomAD exomes below 0.00001.
gnomAD v4.1: 2 of 1,614,142 alleles (0.00012%); highest among the groups gnomAD compares: Non-Finnish European, 0.00017%; no homozygotes.

Submissions (2):

Labcorp Genetics (formerly Invitae), Labcorp
Classification: Pathogenic. Last evaluated: 2022-02-15. Review status: criteria provided, single submitter. Criteria: Invitae Variant Classification Sherloc (09022015). Collection method: clinical testing. Allele origin: germline.
Comment: This variant is not present in population databases (gnomAD no frequency). This premature translational stop signal has been observed in individual(s) with Usher syndrome (PMID: 20507924). For these reasons, this variant has been classified as Pathogenic. This sequence change creates a premature translational stop signal (p.Tyr4002*) in the USH2A gene. It is expected to result in an absent or disrupted protein product. Loss-of-function variants in USH2A are known to be pathogenic (PMID: 10729113, 10909849, 20507924, 25649381).

Blueprint Genetics
Classification: Likely pathogenic for USH2A-related disorders. Last evaluated: 2021-04-29. Review status: criteria provided, single submitter. Criteria: ACMG Guidelines, 2015. Collection method: clinical testing. Allele origin: germline. Affected: yes. Observed: 1 variant allele.

Literature cited by the submitters: PubMed 20507924 (cited by Labcorp Genetics (formerly Invitae), Labcorp); PubMed 10729113 (cited by Labcorp Genetics (formerly Invitae), Labcorp); PubMed 10909849 (cited by Labcorp Genetics (formerly Invitae), Labcorp); PubMed 25649381 (cited by Labcorp Genetics (formerly Invitae), Labcorp).

NM_206933.4(USH2A):c.12006C>A (p.Tyr4002Ter)

Gene: USH2A (usherin; minus strand). Cytogenetic location: 1q41.
Variant type: single nucleotide variant.
Coding change: c.12006C>A on transcript NM_206933.4 (MANE Select); coding-DNA position 12006, C replaced by A.
Protein change: p.Tyr4002Ter; replaces tyrosine 4002 with a stop codon.
Molecular consequence: nonsense.
Genome position (GRCh38, 1-based): chr1:215,728,090, G>T on the plus strand (C>A on the coding strand, the complement: USH2A is on the minus strand). VCF-style: chr1-215728090-G-T. GRCh37 (hg19) VCF-style: chr1-215901432-G-T.
Other names: short protein forms Y4002*.
Identifiers: ClinVar variation 1440718 (VCV001440718.9), dbSNP rs2102713360, ClinGen allele CA344827044.